The following is an entry in ClinVar:

ClinVar aggregate classification (germline): Likely benign (1 of 4 stars; one submission).

Allele frequency attached by ClinVar (database versions not stated): gnomAD exomes below 0.00001; TOPMed below 0.00001; gnomAD 0.00001.
gnomAD v4.1: 8 of 1,613,894 alleles (0.0005%); highest among the groups gnomAD compares: Non-Finnish European, 0.00059%; no homozygotes.

Submission:

GeneDx
Classification: Likely benign. Last evaluated: 2015-11-20. Review status: criteria provided, single submitter. Criteria: GeneDx Variant Classification (06012015). Collection method: clinical testing. Allele origin: germline. Affected: yes.
Comment: This variant is considered likely benign or benign based on one or more of the following criteria: it is a conservative change, it occurs at a poorly conserved position in the protein, it is predicted to be benign by multiple in silico algorithms, and/or has population frequency not consistent with disease.

NM_001040151.2(SCN3B):c.219+18C>T

Gene: SCN3B (sodium voltage-gated channel beta subunit 3; minus strand). Cytogenetic location: 11q24.1.
Variant type: single nucleotide variant.
Coding change: c.219+18C>T on transcript NM_001040151.2 (MANE Select); 18 bases into the intron after coding-DNA position 219, C replaced by T.
Molecular consequence: intron variant.
Genome position (GRCh38, 1-based): chr11:123,645,569, G>A on the plus strand (C>T on the coding strand, the complement: SCN3B is on the minus strand). VCF-style: chr11-123645569-G-A. GRCh37 (hg19) VCF-style: chr11-123516277-G-A.
Other names: c.219+18C>T (NM_018400.4).
Identifiers: ClinVar variation 381911 (VCV000381911.1), dbSNP rs1057521204, ClinGen allele CA16606182.
Genomic context (GRCh38, chr11:123,645,569, plus strand): 5'-TCCCCCGGACTGTCAGGAGCCAGGCTGGGAACAGCAGAGGCCAGCAGAAGAAAGGCCAGA[G>A]TCAGCAGTCTAACATACAAGGAAATCTTTACCGCCCTCGGGCCTGTAGAACCATTCCACC-3'